The following is an entry in ClinVar:

NM_000077.5(CDKN2A):c.150+32A>T

Gene: CDKN2A (cyclin dependent kinase inhibitor 2A; minus strand). Cytogenetic location: 9p21.3.
Variant type: single nucleotide variant.
Coding change: c.150+32A>T on transcript NM_000077.5 (MANE Select); 32 bases into the intron after coding-DNA position 150, A replaced by T.
Molecular consequence: intron variant. On other transcripts: missense variant (1).
Genome position (GRCh38, 1-based): chr9:21,974,646, T>A on the plus strand (A>T on the coding strand, the complement: CDKN2A is on the minus strand). VCF-style: chr9-21974646-T-A. GRCh37 (hg19) VCF-style: chr9-21974645-T-A.
Other names: c.182A>T, p.Asp61Val (NM_058197.5); c.-3-3438A>T (NM_001363763.2); c.194-3438A>T (NM_058195.4); c.150+32A>T (NM_001195132.2); short protein forms D61V.
Identifiers: ClinVar variation 4086107 (VCV004086107.2).

ClinVar aggregate classification (germline): Likely benign. Review status: criteria provided, single submitter (1 of 4 stars). 2 submissions from 2 submitters: Likely benign (1). 1 of the submissions does not count toward it. Last evaluated 2025-12-29.

Conditions:
Melanoma-pancreatic cancer syndrome. Identifiers: Orphanet 404560, MedGen C1838547, MONDO:0011713, OMIM 606719. Disease mechanism: loss of function.

gnomAD v4.1: 16 of 1,614,012 alleles (0.00099%); highest among the groups gnomAD compares: South Asian, 0.0011%; no homozygotes.

Submissions (2):

Center for Genomic Medicine, Rigshospitalet, Copenhagen University Hospital
Classification: Likely benign. Last evaluated: 2025-12-29. Review status: criteria provided, single submitter. Criteria: ACMG Guidelines, 2015. Collection method: clinical testing. Allele origin: germline.
Comment: Classification criteria: BP4, BP7

Molecular and genetics lab, Royan Institute
Classification: Likely pathogenic for Melanoma-pancreatic cancer syndrome. Last evaluated: 2025-02-04. Review status: no assertion criteria provided. Collection method: clinical testing. Allele origin: germline. Inheritance: Autosomal dominant inheritance. Affected: yes. Observed: 3 variant alleles, 3 heterozygotes. Clinical features observed: Breast carcinoma (HP:0003002). Not counted in ClinVar's aggregate classification.

Literature cited by the submitters: PubMed 8818223 (cited by Molecular and genetics lab, Royan Institute).